The following is an entry in ClinVar:

ClinVar aggregate classification (germline): Pathogenic (1 of 4 stars; one submission).

Conditions:
Retinitis pigmentosa 73 (RP73). Identifiers: Orphanet 791, MedGen C4225287, MONDO:0014687, OMIM 616544.
Mucopolysaccharidosis, MPS-III-C (MPS3C). Also called: SANFILIPPO SYNDROME C; MPS III C; Mucopolysaccharidosis type IIIC (Sanfilippo C); MUCOPOLYSACCHARIDOSIS, TYPE IIIC; mucopolysaccharidosis type 3C; MPS IIIC (Sanfilippo Syndrome Type C). Identifiers: Orphanet 581, Orphanet 79271, MedGen C0086649, MONDO:0009657, OMIM 252930.

Submission:

Labcorp Genetics (formerly Invitae), Labcorp
Classification: Pathogenic for Retinitis pigmentosa 73; Mucopolysaccharidosis, MPS-III-C. Last evaluated: 2023-06-27. Review status: criteria provided, single submitter. Criteria: Invitae Variant Classification Sherloc (09022015). Collection method: clinical testing. Allele origin: germline.
Comment: For these reasons, this variant has been classified as Pathogenic. This variant has not been reported in the literature in individuals affected with HGSNAT-related conditions. This variant is not present in population databases (gnomAD no frequency). This sequence change creates a premature translational stop signal (p.Asp385Alafs*86) in the HGSNAT gene. It is expected to result in an absent or disrupted protein product. Loss-of-function variants in HGSNAT are known to be pathogenic (PMID: 17033958, 19479962).

Literature cited by the submitters: PubMed 17033958; PubMed 19479962.

NM_152419.3(HGSNAT):c.1153_1154insCTGG (p.Asp385fs)

Gene: HGSNAT (heparan-alpha-glucosaminide N-acetyltransferase; plus strand). Cytogenetic location: 8p11.21.
Variant type: Insertion.
Coding change: c.1153_1154insCTGG on transcript NM_152419.3 (MANE Select); coding-DNA positions 1153 to 1154, CTGG inserted.
Protein change: p.Asp385fs; shifts the reading frame from aspartic acid 385.
Molecular consequence: frameshift variant.
Genome position: GRCh38 VCF-style: chr8-43191497-A-AGCTG. GRCh37 (hg19) VCF-style: chr8-43046640-A-AGCTG.
Other names: c.1153_1154insCTGG, p.Asp385fs (NM_001363227.2); c.961_962insCTGG, p.Asp321fs (NM_001363228.2); c.289_290insCTGG, p.Asp97fs (NM_001363229.2); short protein forms D321fs, D385fs, D97fs.
Identifiers: ClinVar variation 2949352 (VCV002949352.3), dbSNP rs2487083124, ClinGen allele CA2740095040.